The following is an entry in ClinVar:

ClinVar aggregate classification (germline): Uncertain significance (1 of 4 stars; one submission).

Submission:

GeneDx
Classification: Uncertain significance. Last evaluated: 2025-11-05. Review status: criteria provided, single submitter. Criteria: GeneDx Variant Classification Process June 2021. Collection method: clinical testing. Allele origin: germline. Affected: yes.
Comment: Not observed in large population cohorts (gnomAD); In silico analysis suggests that this missense variant does not alter protein structure/function; Has not been previously published as pathogenic or benign to our knowledge

NM_006180.6(NTRK2):c.1622A>G (p.Lys541Arg)

Gene: NTRK2 (neurotrophic receptor tyrosine kinase 2; plus strand). Cytogenetic location: 9q21.33.
Variant type: single nucleotide variant.
Coding change: c.1622A>G on transcript NM_006180.6 (MANE Select); coding-DNA position 1622, A replaced by G.
Protein change: p.Lys541Arg; replaces lysine 541 with arginine.
Molecular consequence: missense variant.
Genome position (GRCh38, 1-based): chr9:84,867,420, A>G. VCF-style: chr9-84867420-A-G. GRCh37 (hg19) VCF-style: chr9-87482335-A-G.
Other names: c.1574A>G, p.Lys525Arg (NM_001018064.3, NM_001018066.3, NM_001369532.1 and 2 more transcripts); c.1622A>G, p.Lys541Arg (NM_001018065.2, NM_001369537.1); c.1538A>G, p.Lys513Arg (NM_001369534.1); c.1106A>G, p.Lys369Arg (NM_001369535.1); c.1154A>G, p.Lys385Arg (NM_001369536.1); short protein forms K369R, K385R, K513R, K525R, K541R.
Identifiers: ClinVar variation 1308850 (VCV001308850.3), dbSNP rs2132061109, ClinGen allele CA374006398.